The following is an entry in ClinVar:

NM_032040.5(CCDC8):c.649G>A (p.Ala217Thr)

Gene: CCDC8 (coiled-coil domain containing 8; minus strand). Cytogenetic location: 19q13.32.
Variant type: single nucleotide variant.
Coding change: c.649G>A on transcript NM_032040.5 (MANE Select); coding-DNA position 649, G replaced by A.
Protein change: p.Ala217Thr; replaces alanine 217 with threonine.
Molecular consequence: missense variant.
Genome position (GRCh38, 1-based): chr19:46,412,162, C>T on the plus strand (G>A on the coding strand, the complement: CCDC8 is on the minus strand). VCF-style: chr19-46412162-C-T. GRCh37 (hg19) VCF-style: chr19-46915419-C-T.
Other names: c.649G>A (NM_032040.3); short protein forms A217T.
Identifiers: ClinVar variation 1522898 (VCV001522898.5), dbSNP rs1254323259, ClinGen allele CA406461897.

ClinVar aggregate classification (germline): Uncertain significance. Review status: criteria provided, multiple submitters, no conflicts (2 of 4 stars). 2 submissions from 2 submitters: Uncertain significance (2). Last evaluated 2022-06-03.

Conditions:
Inborn genetic diseases. Identifiers: MedGen C0950123, MeSH D030342.

Allele frequency attached by ClinVar (database versions not stated): gnomAD exomes below 0.00001; TOPMed 0.00002.

Submissions (2):

Ambry Genetics
Classification: Uncertain significance for Inborn genetic diseases. Last evaluated: 2022-06-03. Review status: criteria provided, single submitter. Criteria: Ambry Variant Classification Scheme 2023. Collection method: clinical testing. Allele origin: germline.

Labcorp Genetics (formerly Invitae), Labcorp
Classification: Uncertain significance. Last evaluated: 2021-11-04. Review status: criteria provided, single submitter. Criteria: Invitae Variant Classification Sherloc (09022015). Collection method: clinical testing. Allele origin: germline.
Comment: This sequence change replaces alanine, which is neutral and non-polar, with threonine, which is neutral and polar, at codon 217 of the CCDC8 protein (p.Ala217Thr). This variant is present in population databases (no rsID available, gnomAD 0.001%). This variant has not been reported in the literature in individuals affected with CCDC8-related conditions. Algorithms developed to predict the effect of missense changes on protein structure and function output the following: SIFT: "Tolerated"; PolyPhen-2: "Benign"; Align-GVGD: "Class C0". The threonine amino acid residue is found in multiple mammalian species, which suggests that this missense change does not adversely affect protein function. In summary, the available evidence is currently insufficient to determine the role of this variant in disease. Therefore, it has been classified as a Variant of Uncertain Significance.